The following is an entry in ClinVar:

NM_002156.5(HSPD1):c.574A>G (p.Lys192Glu)

Gene: HSPD1 (heat shock protein family D (Hsp60) member 1; minus strand). Cytogenetic location: 2q33.1.
Variant type: single nucleotide variant.
Coding change: c.574A>G on transcript NM_002156.5 (MANE Select); coding-DNA position 574, A replaced by G.
Protein change: p.Lys192Glu; replaces lysine 192 with glutamic acid.
Molecular consequence: missense variant.
Genome position (GRCh38, 1-based): chr2:197,494,689, T>C on the plus strand (A>G on the coding strand, the complement: HSPD1 is on the minus strand). VCF-style: chr2-197494689-T-C. GRCh37 (hg19) VCF-style: chr2-198359413-T-C.
Other names: c.574A>G, p.Lys192Glu (NM_199440.2); short protein forms K192E.
Identifiers: ClinVar variation 660104 (VCV000660104.8), dbSNP rs747860040, ClinGen allele CA2043563.

ClinVar aggregate classification (germline): Uncertain significance (1 of 4 stars; one submission).

Conditions:
Spastic paraplegia. Identifiers: MedGen C0037772, HP:0001258.

Allele frequency attached by ClinVar (database versions not stated): gnomAD exomes 0.00002 and 0.00004; gnomAD 0.00003 and 0.00004; ExAC 0.00005.
gnomAD v4.1: 32 of 1,612,494 alleles (0.002%); highest among the groups gnomAD compares: South Asian, 0.0011%; no homozygotes.

Submission:

Labcorp Genetics (formerly Invitae), Labcorp
Classification: Uncertain significance for Spastic paraplegia. Last evaluated: 2023-08-07. Review status: criteria provided, single submitter. Criteria: Invitae Variant Classification Sherloc (09022015). Collection method: clinical testing. Allele origin: germline.
Comment: In summary, the available evidence is currently insufficient to determine the role of this variant in disease. Therefore, it has been classified as a Variant of Uncertain Significance. Advanced modeling of protein sequence and biophysical properties (such as structural, functional, and spatial information, amino acid conservation, physicochemical variation, residue mobility, and thermodynamic stability) performed at Invitae indicates that this missense variant is not expected to disrupt HSPD1 protein function. ClinVar contains an entry for this variant (Variation ID: 660104). This variant has not been reported in the literature in individuals affected with HSPD1-related conditions. This variant is present in population databases (rs747860040, gnomAD 0.01%). This sequence change replaces lysine, which is basic and polar, with glutamic acid, which is acidic and polar, at codon 192 of the HSPD1 protein (p.Lys192Glu).